The following is an entry in ClinVar:

ClinVar aggregate classification (germline): Pathogenic (1 of 4 stars; one submission).

Submission:

Labcorp Genetics (formerly Invitae), Labcorp
Classification: Pathogenic. Last evaluated: 2022-12-21. Review status: criteria provided, single submitter. Criteria: Invitae Variant Classification Sherloc (09022015). Collection method: clinical testing. Allele origin: germline.
Comment: ClinVar contains an entry for this variant (Variation ID: 1451436). Disruption of this splice site has been observed in individual(s) with acute infantile liver failure (PMID: 19732863). In at least one individual the data is consistent with being in trans (on the opposite chromosome) from a pathogenic variant. This variant is not present in population databases (gnomAD no frequency). This sequence change affects an acceptor splice site in intron 6 of the TRMU gene. It is expected to disrupt RNA splicing. Variants that disrupt the donor or acceptor splice site typically lead to a loss of protein function (PMID: 16199547), and loss-of-function variants in TRMU are known to be pathogenic (PMID: 19732863, 23625533). Algorithms developed to predict the effect of sequence changes on RNA splicing suggest that this variant may disrupt the consensus splice site. For these reasons, this variant has been classified as Pathogenic.

Literature cited by the submitters: PubMed 19732863; PubMed 16199547; PubMed 23625533.

NM_018006.5(TRMU):c.706-1G>C

Gene: TRMU (tRNA mitochondrial 2-thiouridylase; plus strand). Cytogenetic location: 22q13.31.
Variant type: single nucleotide variant.
Coding change: c.706-1G>C on transcript NM_018006.5 (MANE Select); the canonical splice acceptor site of the intron before coding-DNA position 706, G replaced by C.
Molecular consequence: splice acceptor variant.
Genome position (GRCh38, 1-based): chr22:46,352,263, G>C. VCF-style: chr22-46352263-G-C. GRCh37 (hg19) VCF-style: chr22-46748160-G-C.
Other names: c.706-1G>C (NM_001282785.2); c.364-1G>C (NM_001282782.2); c.286-1G>C (NM_001282783.2, NM_001282784.2).
Identifiers: ClinVar variation 1451436 (VCV001451436.8), dbSNP rs778799889, ClinGen allele CA411946280.